The following is an entry in ClinVar:

NM_001127222.2(CACNA1A):c.1914-2A>C

Gene: CACNA1A (calcium voltage-gated channel subunit alpha1 A; minus strand). Cytogenetic location: 19p13.13.
Variant type: single nucleotide variant.
Coding change: c.1914-2A>C on transcript NM_001127222.2 (MANE Select); the canonical splice acceptor site of the intron before coding-DNA position 1914, A replaced by C.
Molecular consequence: splice acceptor variant.
Genome position (GRCh38, 1-based): chr19:13,307,856, T>G on the plus strand (A>C on the coding strand, the complement: CACNA1A is on the minus strand). VCF-style: chr19-13307856-T-G. GRCh37 (hg19) VCF-style: chr19-13418670-T-G.
Other names: c.1917-2A>C (NM_001127221.2, NM_001174080.2, NM_000068.4 and 1 more transcripts).
Identifiers: ClinVar variation 3385388 (VCV003385388.3).

ClinVar aggregate classification (germline): Pathogenic (1 of 4 stars; one submission).

Conditions:
Alternating hemiplegia of childhood 1 (AHC1). Identifiers: Orphanet 2131, MedGen C3549447, MONDO:0007087, OMIM 104290.

Submission:

Institute of Human Genetics, University of Leipzig Medical Center
Classification: Pathogenic for Alternating hemiplegia of childhood 1. Last evaluated: 2025-03-04. Review status: criteria provided, single submitter. Criteria: ACMG Guidelines, 2015. Collection method: clinical testing. Allele origin: paternal. Inheritance: Autosomal dominant inheritance. Affected: yes.
Comment: Criteria applied: PVS1,PM2